The following is an entry in ClinVar:

ClinVar aggregate classification (germline): Pathogenic (1 of 4 stars; one submission).

Conditions:
X-linked agammaglobulinemia with growth hormone deficiency (IGHD3). Also called: FLEISHER SYNDROME; HYPOGAMMAGLOBULINEMIA AND ISOLATED GROWTH HORMONE DEFICIENCY, X-LINKED; IGHD III; AGAMMAGLOBULINEMIA AND ISOLATED GROWTH HORMONE DEFICIENCY, X-LINKED; Isolated growth hormone deficiency type 3; Growth hormone deficiency with hypogammaglobulinemia. Identifiers: Orphanet 231692, Orphanet 631, MedGen C0472813, MONDO:0010615, OMIM 307200.

Submission:

Labcorp Genetics (formerly Invitae), Labcorp
Classification: Pathogenic for X-linked agammaglobulinemia with growth hormone deficiency. Last evaluated: 2022-08-15. Review status: criteria provided, single submitter. Criteria: Invitae Variant Classification Sherloc (09022015). Collection method: clinical testing. Allele origin: germline.
Comment: For these reasons, this variant has been classified as Pathogenic. This premature translational stop signal has been observed in individual(s) with agammaglobulinemia (PMID: 19419768). This variant is not present in population databases (gnomAD no frequency). This sequence change creates a premature translational stop signal (p.Gly391*) in the BTK gene. It is expected to result in an absent or disrupted protein product. Loss-of-function variants in BTK are known to be pathogenic (PMID: 15661032, 16862044, 19419768).

Literature cited by the submitters: PubMed 19419768; PubMed 15661032; PubMed 16862044.

NM_000061.3(BTK):c.1171G>T (p.Gly391Ter)

Gene: BTK (Bruton tyrosine kinase; minus strand). Cytogenetic location: Xq22.1.
Variant type: single nucleotide variant.
Coding change: c.1171G>T on transcript NM_000061.3 (MANE Select); coding-DNA position 1171, G replaced by T.
Protein change: p.Gly391Ter; replaces glycine 391 with a stop codon.
Molecular consequence: nonsense. On other transcripts: intron variant (1).
Genome position (GRCh38, 1-based): chrX:101,357,515, C>A on the plus strand (G>T on the coding strand, the complement: BTK is on the minus strand). VCF-style: chrX-101357515-C-A. GRCh37 (hg19) VCF-style: chrX-100612503-C-A.
Other names: c.1273G>T, p.Gly425Ter (NM_001287344.2); c.1038+859G>T (NM_001287345.2); short protein forms G425*, G391*.
Identifiers: ClinVar variation 2138649 (VCV002138649.4), dbSNP rs2520564210, ClinGen allele CA413926008.
Genomic context (GRCh38, chrX:101,357,515, plus strand): 5'-AGGTAGTTTTTGCAACTGGCCAGTCCACCCTACCCCAGAGAAATAAGGAGTTACCGTATC[C>A]CAGGCCTGCAGTGGAAGGTGCATTCTTGTTTTGTTGAGACACTGGATATTTGAGCCTGGA-3'